The following is an entry in ClinVar:

NM_001004356.3(FGFRL1):c.577C>T (p.Arg193Cys)

Gene: FGFRL1 (fibroblast growth factor receptor like 1; plus strand). Cytogenetic location: 4p16.3.
Variant type: single nucleotide variant.
Coding change: c.577C>T on transcript NM_001004356.3 (MANE Select); coding-DNA position 577, C replaced by T.
Protein change: p.Arg193Cys; replaces arginine 193 with cysteine.
Molecular consequence: missense variant.
Genome position (GRCh38, 1-based): chr4:1,023,960, C>T. VCF-style: chr4-1023960-C-T. GRCh37 (hg19) VCF-style: chr4-1017748-C-T.
Other names: c.577C>T (NM_001004356.2); c.577C>T, p.Arg193Cys (NM_001004358.1, NM_001370296.1, NM_021923.3); short protein forms R193C.
Identifiers: ClinVar variation 1465211 (VCV001465211.8), dbSNP rs757739388, ClinGen allele CA2802769.

ClinVar aggregate classification (germline): Uncertain significance. Review status: criteria provided, multiple submitters, no conflicts (2 of 4 stars). 2 submissions from 2 submitters: Uncertain significance (2). Last evaluated 2024-07-16.

Allele frequency attached by ClinVar (database versions not stated): TOPMed below 0.00001; gnomAD 0.00001; gnomAD exomes 0.00002; ExAC 0.00006.

Submissions (2):

Ambry Genetics
Classification: Uncertain significance. Last evaluated: 2024-07-16. Review status: criteria provided, single submitter. Criteria: Ambry Variant Classification Scheme 2023. Collection method: clinical testing. Allele origin: germline.

Labcorp Genetics (formerly Invitae), Labcorp
Classification: Uncertain significance. Last evaluated: 2021-12-02. Review status: criteria provided, single submitter. Criteria: Invitae Variant Classification Sherloc (09022015). Collection method: clinical testing. Allele origin: germline.
Comment: In summary, the available evidence is currently insufficient to determine the role of this variant in disease. Therefore, it has been classified as a Variant of Uncertain Significance. Algorithms developed to predict the effect of missense changes on protein structure and function are either unavailable or do not agree on the potential impact of this missense change (SIFT: "Tolerated"; PolyPhen-2: "Possibly Damaging"; Align-GVGD: "Class C0"). This variant has not been reported in the literature in individuals affected with FGFRL1-related conditions. This variant is present in population databases (rs757739388, gnomAD 0.004%). This sequence change replaces arginine, which is basic and polar, with cysteine, which is neutral and slightly polar, at codon 193 of the FGFRL1 protein (p.Arg193Cys).